The following is an entry in ClinVar:

ClinVar aggregate classification (germline): Likely pathogenic (1 of 4 stars; one submission).

Conditions:
Neuronal ceroid lipofuscinosis. Also called: Neuronal Ceroid Lipofuscinoses. Identifiers: Orphanet 216, Orphanet 79263, MedGen C0027877, MONDO:0016295. Disease mechanism: loss of function.

Submission:

Natera, Inc.
Classification: Likely pathogenic for Neuronal ceroid lipofuscinosis. Last evaluated: 2024-04-17. Review status: criteria provided, single submitter. Criteria: Natera Variant Classification Schema (03/2026). Collection method: clinical testing. Allele origin: germline.
Comment: The c.843delC variant in CLN5 is a frameshift variant predicted to shift the reading frame beginning at codon 282 and leads to a stop codon 4 codons downstream. This variant is expected to result in nonsense mediated decay, truncation, or a dysfunctional protein product. This variant is rare in the general population with a frequency below the threshold expected for the associated phenotype(s). Given the available evidence, this variant is classified as Likely Pathogenic.

NM_006493.4(CLN5):c.696del (p.Lys233fs)

Gene: CLN5 (CLN5 lysosomal BMP synthase; plus strand). Cytogenetic location: 13q22.3.
Variant type: Deletion.
Coding change: c.696del on transcript NM_006493.4 (MANE Select); coding-DNA position 696, one base deleted (C; older notation c.696delC).
Protein change: p.Lys233fs; shifts the reading frame from lysine 233.
Molecular consequence: frameshift variant. On other transcripts: 3 prime UTR variant (1).
Genome position (GRCh38, 1-based): chr13:77,000,588, C deleted; the last of 2 consecutive C bases (chr13:77,000,587-77,000,588); deleting either gives the same sequence. VCF-style (leftmost placement, unchanged base first): chr13-77000586-TC-T. GRCh37 (hg19) VCF-style: chr13-77574721-TC-T.
Other names: c.*145del (NM_001366624.2); short protein forms K233fs.
Identifiers: ClinVar variation 4815516 (VCV004815516.1).